The following is an entry in ClinVar:

ClinVar aggregate classification (germline): Likely benign. Review status: criteria provided, multiple submitters, no conflicts (2 of 4 stars). 3 submissions from 3 submitters: Likely benign (3). Last evaluated 2025-07-07.

Allele frequency attached by ClinVar (database versions not stated): gnomAD exomes below 0.00001 and 0.00001.
gnomAD v4.1: 6 of 1,613,032 alleles (0.00037%); highest among the groups gnomAD compares: Middle Eastern, 0.099%; no homozygotes.

Submissions (3):

Labcorp Genetics (formerly Invitae), Labcorp
Classification: Likely benign. Last evaluated: 2025-07-07. Review status: criteria provided, single submitter. Criteria: Invitae Variant Classification Sherloc (09022015). Collection method: clinical testing. Allele origin: germline.

Blueprint Genetics
Classification: Likely benign. Last evaluated: 2023-04-11. Review status: criteria provided, single submitter. Criteria: ACMG Guidelines, 2015. Collection method: clinical testing. Allele origin: germline.

GeneDx
Classification: Likely benign. Last evaluated: 2017-03-07. Review status: criteria provided, single submitter. Criteria: GeneDx Variant Classification (06012015). Collection method: clinical testing. Allele origin: germline. Affected: yes.
Comment: This variant is considered likely benign or benign based on one or more of the following criteria: it is a conservative change, it occurs at a poorly conserved position in the protein, it is predicted to be benign by multiple in silico algorithms, and/or has population frequency not consistent with disease.

NM_032380.5(GFM2):c.450G>A (p.Leu150=)

Gene: GFM2 (GTP dependent ribosome recycling factor mitochondrial 2; minus strand). Cytogenetic location: 5q13.3.
Variant type: single nucleotide variant.
Coding change: c.450G>A on transcript NM_032380.5 (MANE Select); coding-DNA position 450, G replaced by A.
Protein change: p.Leu150=; no amino-acid change (leucine 150 retained).
Molecular consequence: synonymous variant. On other transcripts: non-coding transcript variant (1).
Genome position (GRCh38, 1-based): chr5:74,750,648, C>T on the plus strand (G>A on the coding strand, the complement: GFM2 is on the minus strand). VCF-style: chr5-74750648-C-T. GRCh37 (hg19) VCF-style: chr5-74046473-C-T.
Other names: c.546G>A, p.Leu182= (NM_001281302.2); c.450G>A, p.Leu150= (NM_170681.3, NM_170691.3).
Identifiers: ClinVar variation 507733 (VCV000507733.6), dbSNP rs867915593, ClinGen allele CA120926248.